The following is an entry in ClinVar:

NM_000718.4(CACNA1B):c.1907A>G (p.Asn636Ser)

Gene: CACNA1B (calcium voltage-gated channel subunit alpha1 B; plus strand). Cytogenetic location: 9q34.3.
Variant type: single nucleotide variant.
Coding change: c.1907A>G on transcript NM_000718.4 (MANE Select); coding-DNA position 1907, A replaced by G.
Protein change: p.Asn636Ser; replaces asparagine 636 with serine.
Molecular consequence: missense variant.
Genome position (GRCh38, 1-based): chr9:137,986,787, A>G. VCF-style: chr9-137986787-A-G. GRCh37 (hg19) VCF-style: chr9-140881239-A-G.
Other names: c.1907A>G, p.Asn636Ser (NM_001243812.2); c.1907A>G (NM_000718.3); short protein forms N636S.
Identifiers: ClinVar variation 1924927 (VCV001924927.4), dbSNP rs778810624, ClinGen allele CA5376313.
Genomic context (GRCh38, chr9:137,986,787, plus strand): 5'-CGCTGCCTCGCTGCTGACGGGACTGCCACTTCCCAAGCCTTCCTGTTTTCCTCAGGTTCA[A>G]CTTCCAGGATGAGACTCCCACAACCAACTTCGACACCTTCCCTGCCGCCATCCTCACTGT-3'
Protein context (NP_000709.1, residues 626-646): LGMQLFGGQF[Asn636Ser]FQDETPTTNF

ClinVar aggregate classification (germline): Uncertain significance. Review status: criteria provided, multiple submitters, no conflicts (2 of 4 stars). 2 submissions from 2 submitters: Uncertain significance (2). Last evaluated 2025-04-11.

Allele frequency attached by ClinVar (database versions not stated): gnomAD exomes 0.00001; ExAC 0.00001.
gnomAD v4.1: 14 of 1,613,356 alleles (0.00087%); highest among the groups gnomAD compares: Admixed American, 0.0033%; no homozygotes.

Submissions (2):

Ambry Genetics
Classification: Uncertain significance. Last evaluated: 2025-04-11. Review status: criteria provided, single submitter. Criteria: Ambry Variant Classification Scheme 2023. Collection method: clinical testing. Allele origin: germline.

Labcorp Genetics (formerly Invitae), Labcorp
Classification: Uncertain significance. Last evaluated: 2022-08-20. Review status: criteria provided, single submitter. Criteria: Invitae Variant Classification Sherloc (09022015). Collection method: clinical testing. Allele origin: germline.
Comment: In summary, the available evidence is currently insufficient to determine the role of this variant in disease. Therefore, it has been classified as a Variant of Uncertain Significance. Algorithms developed to predict the effect of missense changes on protein structure and function are either unavailable or do not agree on the potential impact of this missense change (SIFT: "Deleterious"; PolyPhen-2: "Benign"; Align-GVGD: "Class C0"). This variant has not been reported in the literature in individuals affected with CACNA1B-related conditions. This variant is present in population databases (rs778810624, gnomAD 0.01%). This sequence change replaces asparagine, which is neutral and polar, with serine, which is neutral and polar, at codon 636 of the CACNA1B protein (p.Asn636Ser).